The following is an entry in ClinVar:

NM_152309.3(PIK3AP1):c.2294T>C (p.Val765Ala)

Gene: PIK3AP1 (phosphoinositide-3-kinase adaptor protein 1; minus strand). Cytogenetic location: 10q24.1.
Variant type: single nucleotide variant.
Coding change: c.2294T>C on transcript NM_152309.3 (MANE Select); coding-DNA position 2294, T replaced by C.
Protein change: p.Val765Ala; replaces valine 765 with alanine.
Molecular consequence: missense variant.
Genome position (GRCh38, 1-based): chr10:96,602,346, A>G on the plus strand (T>C on the coding strand, the complement: PIK3AP1 is on the minus strand). VCF-style: chr10-96602346-A-G. GRCh37 (hg19) VCF-style: chr10-98362103-A-G.
Other names: short protein forms V765A.
Identifiers: ClinVar variation 474926 (VCV000474926.8), dbSNP rs1164907557, ClinGen allele CA377749214.
Genomic context (GRCh38, chr10:96,602,346, plus strand): 5'-GAGGCAGCTCTCGGAGGCACCCTGGGGGGTCTCTCGAGGGACATGGTGGGTGTCCCATCC[A>G]CTTGTGGGGGGCCTGGACTGCGACTTCTGGTAACCTCAGGGACTTCATTATCCTACAGCA-3'
Protein context (NP_689522.2, residues 755-775): TRSRSPGPPQ[Val765Ala]DGTPTMSLER

ClinVar aggregate classification (germline): Uncertain significance (1 of 4 stars; one submission).

Conditions:
Infantile spasms. Also called: Infantile spasm. Identifiers: MedGen C3887898, HP:0012469.

Allele frequency attached by ClinVar (database versions not stated): gnomAD exomes below 0.00001; TOPMed below 0.00001.
gnomAD v4.1: 2 of 1,612,180 alleles (0.00012%); highest among the groups gnomAD compares: Non-Finnish European, 0.00017%; no homozygotes.

Submission:

Labcorp Genetics (formerly Invitae), Labcorp
Classification: Uncertain significance for Infantile spasms. Last evaluated: 2021-06-16. Review status: criteria provided, single submitter. Criteria: Invitae Variant Classification Sherloc (09022015). Collection method: clinical testing. Allele origin: germline.
Comment: Algorithms developed to predict the effect of missense changes on protein structure and function (SIFT, PolyPhen-2, Align-GVGD) all suggest that this variant is likely to be tolerated, but these predictions have not been confirmed by published functional studies. In summary, this variant is a novel missense change that is not predicted to affect protein function. There is no indication that it causes disease, but the available evidence is currently insufficient to prove that conclusively. Therefore, it has been classified as a Variant of Uncertain Significance. This sequence change replaces valine with alanine at codon 765 of the PIK3AP1 protein (p.Val765Ala). The valine residue is moderately conserved and there is a small physicochemical difference between valine and alanine. This variant is not present in population databases (ExAC no frequency) and has not been reported in the literature in individuals with a PIK3AP1-related disease.